The following is an entry in ClinVar:

ClinVar aggregate classification (germline): Likely benign. Review status: criteria provided, multiple submitters, no conflicts (2 of 4 stars). 2 submissions from 2 submitters: Likely benign (2). Last evaluated 2025-03-04.

Conditions:
Very long chain acyl-CoA dehydrogenase deficiency (ACADVLD). Also called: Very Long-Chain Acyl-Coenzyme A Dehydrogenase Deficiency; VLCAD Deficiency. Identifiers: Orphanet 26793, MedGen C3887523, MONDO:0008723, OMIM 201475.

Allele frequency attached by ClinVar (database versions not stated): gnomAD exomes below 0.00001; ExAC 0.00001.
gnomAD v4.1: 2 of 1,614,192 alleles (0.00012%); highest among the groups gnomAD compares: South Asian, 0.0022%; no homozygotes.

Submissions (2):

Mayo Clinic Laboratories, Mayo Clinic
Classification: Likely benign. Last evaluated: 2025-03-04. Review status: criteria provided, single submitter. Criteria: ACMG Guidelines, 2015. Collection method: clinical testing. Allele origin: germline. Observed: 1 variant allele.
Comment: BP4, BP7

Labcorp Genetics (formerly Invitae), Labcorp
Classification: Likely benign for Very long chain acyl-CoA dehydrogenase deficiency. Last evaluated: 2022-03-18. Review status: criteria provided, single submitter. Criteria: Invitae Variant Classification Sherloc (09022015). Collection method: clinical testing. Allele origin: germline.

NM_000018.4(ACADVL):c.273G>C (p.Pro91=)

Gene: ACADVL (acyl-CoA dehydrogenase very long chain; plus strand). Cytogenetic location: 17p13.1.
Variant type: single nucleotide variant.
Coding change: c.273G>C on transcript NM_000018.4 (MANE Select); coding-DNA position 273, G replaced by C.
Protein change: p.Pro91=; no amino-acid change (proline 91 retained).
Molecular consequence: synonymous variant.
Genome position (GRCh38, 1-based): chr17:7,220,672, G>C. VCF-style: chr17-7220672-G-C. GRCh37 (hg19) VCF-style: chr17-7123991-G-C.
Other names: p.Pro91=; c.207G>C, p.Pro69= (NM_001033859.3); c.342G>C, p.Pro114= (NM_001270447.2); c.45G>C, p.Pro15= (NM_001270448.2).
Identifiers: ClinVar variation 1121720 (VCV001121720.10), dbSNP rs778993830, ClinGen allele CA8337615.